The following is an entry in ClinVar:

ClinVar aggregate classification (germline): Uncertain significance. Review status: criteria provided, multiple submitters, no conflicts (2 of 4 stars). 2 submissions from 2 submitters: Uncertain significance (2). Last evaluated 2024-11-04.

Conditions:
Epilepsy, progressive myoclonic, 1B. Also called: PME. Identifiers: Orphanet 308, MedGen C2676254, MONDO:0012904, OMIM 612437.

Submissions (2):

Blueprint Genetics
Classification: Uncertain significance. Last evaluated: 2024-11-04. Review status: criteria provided, single submitter. Criteria: ACMG Guidelines, 2015. Collection method: clinical testing. Allele origin: germline.

Labcorp Genetics (formerly Invitae), Labcorp
Classification: Uncertain significance for Epilepsy, progressive myoclonic, 1B. Last evaluated: 2023-08-30. Review status: criteria provided, single submitter. Criteria: Invitae Variant Classification Sherloc (09022015). Collection method: clinical testing. Allele origin: germline.
Comment: In summary, the available evidence is currently insufficient to determine the role of this variant in disease. Therefore, it has been classified as a Variant of Uncertain Significance. Advanced modeling of protein sequence and biophysical properties (such as structural, functional, and spatial information, amino acid conservation, physicochemical variation, residue mobility, and thermodynamic stability) performed at Invitae indicates that this missense variant is not expected to disrupt PRICKLE1 protein function. ClinVar contains an entry for this variant (Variation ID: 469507). This variant has not been reported in the literature in individuals affected with PRICKLE1-related conditions. This variant is not present in population databases (gnomAD no frequency). This sequence change replaces glycine, which is neutral and non-polar, with glutamic acid, which is acidic and polar, at codon 552 of the PRICKLE1 protein (p.Gly552Glu).

NM_153026.3(PRICKLE1):c.1655G>A (p.Gly552Glu)

Gene: PRICKLE1 (prickle planar cell polarity protein 1; minus strand). Cytogenetic location: 12q12.
Variant type: single nucleotide variant.
Coding change: c.1655G>A on transcript NM_153026.3 (MANE Select); coding-DNA position 1655, G replaced by A.
Protein change: p.Gly552Glu; replaces glycine 552 with glutamic acid.
Molecular consequence: missense variant.
Genome position (GRCh38, 1-based): chr12:42,460,650, C>T on the plus strand (G>A on the coding strand, the complement: PRICKLE1 is on the minus strand). VCF-style: chr12-42460650-C-T. GRCh37 (hg19) VCF-style: chr12-42854452-C-T.
Other names: c.1655G>A, p.Gly552Glu (NM_001144881.2, NM_001144882.2, NM_001144883.2); short protein forms G552E.
Identifiers: ClinVar variation 469507 (VCV000469507.9), dbSNP rs1055556905, ClinGen allele CA235488872.
Genomic context (GRCh38, chr12:42,460,650, plus strand): 5'-TCTGTTTCCATCTCCTCAAAATTTTGCAGAGAATACAATGATGGCCTTGGCTTGTTTTCT[C>T]CATCCACCGAAGCCCCTAGAAGAGAGGCCAAAACAAGATGTGCTTCTCAATCATCCTAAT-3'
Protein context (NP_694571.2, residues 542-562): LSNITGASVD[Gly552Glu]ENKPRPSLYS